The following is an entry in ClinVar:

ClinVar aggregate classification (germline): Uncertain significance (1 of 4 stars; one submission).

gnomAD v4.1: 6 of 1,612,346 alleles (0.00037%); highest among the groups gnomAD compares: Non-Finnish European, 0.00051%; no homozygotes.

Submission:

Labcorp Genetics (formerly Invitae), Labcorp
Classification: Uncertain significance. Last evaluated: 2024-08-07. Review status: criteria provided, single submitter. Criteria: Invitae Variant Classification Sherloc (09022015). Collection method: clinical testing. Allele origin: germline.
Comment: This sequence change replaces alanine, which is neutral and non-polar, with aspartic acid, which is acidic and polar, at codon 699 of the TRIM28 protein (p.Ala699Asp). This variant is not present in population databases (gnomAD no frequency). This variant has not been reported in the literature in individuals affected with TRIM28-related conditions. Experimental studies and prediction algorithms are not available or were not evaluated, and the functional significance of this variant is currently unknown. In summary, the available evidence is currently insufficient to determine the role of this variant in disease. Therefore, it has been classified as a Variant of Uncertain Significance.

NM_005762.3(TRIM28):c.2096C>A (p.Ala699Asp)

Gene: TRIM28 (tripartite motif containing 28; plus strand). Cytogenetic location: 19q13.43.
Variant type: single nucleotide variant.
Coding change: c.2096C>A on transcript NM_005762.3 (MANE Select); coding-DNA position 2096, C replaced by A.
Protein change: p.Ala699Asp; replaces alanine 699 with aspartic acid.
Molecular consequence: missense variant.
Genome position (GRCh38, 1-based): chr19:58,549,850, C>A. VCF-style: chr19-58549850-C-A. GRCh37 (hg19) VCF-style: chr19-59061217-C-A.
Other names: short protein forms A699D.
Identifiers: ClinVar variation 3661666 (VCV003661666.2).